The following is an entry in ClinVar:

ClinVar aggregate classification (germline): Conflicting classifications of pathogenicity. Review status: criteria provided, conflicting classifications (1 of 4 stars). 2 submissions from 2 submitters: Uncertain significance (1); Likely benign (1). Last evaluated 2024-03-01.

Allele frequency attached by ClinVar (database versions not stated): gnomAD 0.00005; ESP Exome Variant Server 0.00008; TOPMed 0.00008; ExAC 0.00003.
gnomAD v4.1: 27 of 1,614,082 alleles (0.0017%); highest among the groups gnomAD compares: East Asian, 0.029%; no homozygotes.

Submissions (2):

CeGaT Center for Human Genetics Tuebingen
Classification: Likely benign. Last evaluated: 2024-03-01. Review status: criteria provided, single submitter. Criteria: CeGaT Center For Human Genetics Tuebingen Variant Classification Criteria Version 2. Collection method: clinical testing. Allele origin: germline. Affected: yes. Observed: 2 variant alleles.
Comment: ASXL1: BP4

Labcorp Genetics (formerly Invitae), Labcorp
Classification: Uncertain significance. Last evaluated: 2023-10-03. Review status: criteria provided, single submitter. Criteria: Invitae Variant Classification Sherloc (09022015). Collection method: clinical testing. Allele origin: germline.
Comment: This sequence change replaces threonine, which is neutral and polar, with lysine, which is basic and polar, at codon 1139 of the ASXL1 protein (p.Thr1139Lys). This variant is present in population databases (rs371545683, gnomAD 0.02%). This variant has not been reported in the literature in individuals affected with ASXL1-related conditions. ClinVar contains an entry for this variant (Variation ID: 2070579). Algorithms developed to predict the effect of missense changes on protein structure and function output the following: SIFT: "Not Available"; PolyPhen-2: "Benign"; Align-GVGD: "Not Available". The lysine amino acid residue is found in multiple mammalian species, which suggests that this missense change does not adversely affect protein function. In summary, the available evidence is currently insufficient to determine the role of this variant in disease. Therefore, it has been classified as a Variant of Uncertain Significance.

NM_015338.6(ASXL1):c.3416C>A (p.Thr1139Lys)

Gene: ASXL1 (ASXL transcriptional regulator 1; plus strand). Cytogenetic location: 20q11.21.
Variant type: single nucleotide variant.
Coding change: c.3416C>A on transcript NM_015338.6 (MANE Select); coding-DNA position 3416, C replaced by A.
Protein change: p.Thr1139Lys; replaces threonine 1139 with lysine.
Molecular consequence: missense variant.
Genome position (GRCh38, 1-based): chr20:32,436,128, C>A. VCF-style: chr20-32436128-C-A. GRCh37 (hg19) VCF-style: chr20-31023931-C-A.
Other names: c.3233C>A, p.Thr1078Lys (NM_001363734.1); short protein forms T1139K, T1078K.
Identifiers: ClinVar variation 2070579 (VCV002070579.31), dbSNP rs371545683, ClinGen allele CA9808815.